The following is an entry in ClinVar:

NM_000051.4(ATM):c.5320-5_5320-2del

Gene: ATM (ATM serine/threonine kinase; plus strand). Cytogenetic location: 11q22.3.
Variant type: Deletion.
Coding change: c.5320-5_5320-2del on transcript NM_000051.4 (MANE Select); 5 bases into the intron before coding-DNA position 5320 through the canonical splice acceptor site of the intron before coding-DNA position 5320, 4 bases deleted (TCTA; older notation c.5320-5_5320-2delTCTA).
Molecular consequence: splice acceptor variant.
Genome position (GRCh38, 1-based): chr11:108,302,848-108,302,851, TCTA deleted. VCF-style (leftmost placement, unchanged base first): chr11-108302847-TTCTA-T. GRCh37 (hg19) VCF-style: chr11-108173574-TTCTA-T.
Other names: c.5320-5_5320-2delTCTA (NM_000051.3); c.5320-5_5320-2del (NM_001351834.2).
Identifiers: ClinVar variation 181881 (VCV000181881.25), dbSNP rs730881310, ClinGen allele CA298027.

ClinVar aggregate classification (germline): Pathogenic/Likely pathogenic. Review status: criteria provided, multiple submitters, no conflicts (2 of 4 stars). 9 submissions from 9 submitters: Pathogenic (5); Likely pathogenic (3). 1 of the submissions does not count toward it. Last evaluated 2025-11-11.

Conditions:
Familial colorectal cancer type X. Identifiers: Orphanet 440437, MedGen C3896578, MONDO:0018604.
Hereditary cancer-predisposing syndrome. Also called: Tumor predisposition; Hereditary Cancer Syndrome; Hereditary neoplastic syndrome; Neoplastic Syndromes, Hereditary. Identifiers: Orphanet 140162, MedGen C0027672, MeSH D009386, MONDO:0015356.
Familial cancer of breast. Also called: BREAST CANCER, FAMILIAL; hereditary breast carcinoma; Hereditary breast cancer. Identifiers: Orphanet 227535, MedGen C0346153, MONDO:0016419, OMIM 114480. Disease mechanism: loss of function.
Ataxia-telangiectasia syndrome (AT). Also called: LOUIS-BAR SYNDROME; Cerebello-oculocutaneous telangiectasia; Immunodeficiency with ataxia telangiectasia; ATAXIA-TELANGIECTASIA, COMPLEMENTATION GROUP A; ATAXIA-TELANGIECTASIA, FRESNO VARIANT; Ataxia-telangiectasia. Identifiers: Orphanet 100, MedGen C0004135, MONDO:0008840, OMIM 208900.

Allele frequency attached by ClinVar (database versions not stated): gnomAD exomes below 0.00001.

Submissions (9):

Labcorp Genetics (formerly Invitae), Labcorp
Classification: Pathogenic for Ataxia-telangiectasia syndrome. Last evaluated: 2025-11-11. Review status: criteria provided, single submitter. Criteria: Invitae Variant Classification Sherloc (09022015). Collection method: clinical testing. Allele origin: germline.
Comment: This sequence change affects a splice site in intron 35 of the ATM gene. RNA analysis indicates that disruption of this splice site induces altered splicing and may result in an absent or altered protein product. This variant is not present in population databases (gnomAD no frequency). Disruption of this splice site has been observed in individual(s) with breast cancer and ataxia-telangiectasia (PMID: 8845835, 14695534, 26681312). In at least one individual the data is consistent with being in trans (on the opposite chromosome) from a pathogenic variant. This variant is also known as IVS37-5delTCTA or c.5320del7. ClinVar contains an entry for this variant (Variation ID: 181881). Studies have shown that disruption of this splice site results in activation of a cryptic splice site, and produces a non-functional protein and/or introduces a premature termination codon (PMID: 14695534; internal data). For these reasons, this variant has been classified as Pathogenic.

Ambry Genetics
Classification: Pathogenic for Hereditary cancer-predisposing syndrome. Last evaluated: 2025-08-21. Review status: criteria provided, single submitter. Criteria: Ambry Variant Classification Scheme 2023. Collection method: clinical testing. Allele origin: germline.
Comment: The c.5320-5_5320-2delTCTA (also known as IVS37-5delTCTA) intronic pathogenic mutation, located upstream of coding exon 35 in the ATM gene, results from a deletion of 4 nucleotides at positions c.5320-5 to c.5320-2. This mutation (designated as 5320del7) has been observed in multiple individuals with a diagnosis of ataxia-telangiectasia (A-T) (Gilad S et al, Hum. Mol. Genet. 1996 Apr; 5(4):433-9, Eng L et al, Hum. Mutat. 2004 Jan; 23(1):67-76). A-T individuals with at least one copy of this mutation are reported to have no detectable ATM protein (Eng L et al, Hum. Mutat. 2004 Jan; 23(1):67-76). The c.5320-5_5320-2delTCTA mutation has also been reported to cause aberrant splicing that results in the removal of 7 coding nucleotides from coding exon 35, and a transcript that is expected to trigger nonsense-mediated mRNA decay (Eng L et al, Hum. Mutat. 2004 Jan; 23(1):67-76). RNA studies have demonstrated that this alteration results in the same aberrant splicing event reported in the literature (Ambry internal data). Based on the supporting evidence, this alteration is classified as a pathogenic mutation.

Molecular Pathology, Peter Maccallum Cancer Centre
Classification: Likely pathogenic for Ataxia-telangiectasia syndrome. Last evaluated: 2025-04-16. Review status: criteria provided, single submitter. Criteria: ACMG Guidelines, 2015. Collection method: clinical testing. Allele origin: germline. Inheritance: Autosomal recessive inheritance.

Myriad Genetics, Inc.
Classification: Likely pathogenic for Familial cancer of breast. Last evaluated: 2024-01-25. Review status: criteria provided, single submitter. Criteria: Myriad Autosomal Dominant, Autosomal Recessive and X-Linked Classification Criteria (2023). Collection method: clinical testing. Allele origin: unknown.
Comment: This variant is considered likely pathogenic. This variant occurs within a consensus splice junction and is predicted to result in abnormal mRNA splicing of either an out-of-frame exon or an in-frame exon necessary for protein stability and/or normal function.

Baylor Genetics
Classification: Pathogenic for Familial cancer of breast. Last evaluated: 2023-12-22. Review status: criteria provided, single submitter. Criteria: ACMG Guidelines, 2015. Collection method: clinical testing. Allele origin: unknown.

Color Diagnostics, LLC DBA Color Health
Classification: Pathogenic for Hereditary cancer-predisposing syndrome. Last evaluated: 2022-10-05. Review status: criteria provided, single submitter. Criteria: ACMG Guidelines, 2015. Collection method: clinical testing. Allele origin: germline.
Comment: This variant deletes 4 nucleotides in intron 35 of the ATM gene. Splice site prediction tools suggest that this variant may have a significant impact on RNA splicing. A functional RNA study (PMID: 14695534) has shown that this variant leads to the use of a cryptic splice acceptor site, resulting in a deletion of the first 7 nucleotides of exon 36 (also known as exon 38 in the literature). This variant is expected to create a frameshift and premature translation stop signal, resulting in an absent or non-functional protein product. This variant (also known as 5320del7 and IVS37-5delTCTA in the literature) has been reported in individuals affected with ataxia-telangiectasia (PMID: 8845835, 14695534). There was no detectable ATM protein expression in lymphoblastoid cell lines isolated from at least one affected individual (PMID: 14695534). This variant has also been reported in an individual affected with breast cancer (PMID: 26681312). This variant has not been identified in the general population by the Genome Aggregation Database (gnomAD). Loss of ATM function is a known mechanism of disease. Based on the available evidence, this variant is classified as Pathogenic.

Department of Pathology and Laboratory Medicine, Sinai Health System
Classification: Likely pathogenic for Familial colorectal cancer type X. Last evaluated: 2022-02-17. Review status: criteria provided, single submitter. Criteria: ACMG Guidelines, 2015. Collection method: clinical testing. Allele origin: germline. Affected: yes.

Women's Health and Genetics/Laboratory Corporation of America, LabCorp
Classification: Pathogenic for Ataxia-telangiectasia syndrome. Last evaluated: 2020-07-27. Review status: criteria provided, single submitter. Criteria: LabCorp Variant Classification Summary - May 2015. Collection method: clinical testing. Allele origin: germline.
Comment: Variant summary: ATM c.5320-5_5320-2delTCTA is located in a canonical splice-site and is predicted to affect mRNA splicing resulting in a significantly altered protein due to either exon skipping, shortening, or inclusion of intronic material. Several computational tools predict a significant impact on normal splicing: Four predict the variant abolishes a 3' acceptor site. Four predict the variant creates a 3' acceptor site. The variant was absent in 249996 control chromosomes. c.5320-5_5320-2delTCTA has been reported in the literature in individuals affected with Ataxia-Telangiectasia or breast cancer (Gilad_1996, Eng_2004, Susswein_2015). These data indicate that the variant may be associated with disease. At least one publication reports experimental evidence evaluating an impact on protein function. The most pronounced variant effect results in <10% of normal activity (Gilad_1996). Four clinical diagnostic laboratories have submitted clinical-significance assessments for this variant to ClinVar after 2014 without evidence for independent evaluation. All laboratories classified the variant as pathogenic/likely pathogenic. Based on the evidence outlined above, the variant was classified as pathogenic.

Counsyl
Classification: Likely pathogenic for Ataxia-telangiectasia syndrome. Last evaluated: 2017-03-08. Review status: no assertion criteria provided. Collection method: clinical testing. Allele origin: unknown. Not counted in ClinVar's aggregate classification.

Literature cited by the submitters: PubMed 8845835 (cited by 6 submitters); PubMed 14695534 (cited by 6 submitters); PubMed 26681312 (cited by 5 submitters).